The following is an entry in ClinVar:

ClinVar aggregate classification (germline): Uncertain significance (1 of 4 stars; one submission).

Conditions:
Hereditary cancer-predisposing syndrome. Also called: Neoplastic Syndromes, Hereditary; Tumor predisposition; Hereditary Cancer Syndrome; Hereditary neoplastic syndrome. Identifiers: Orphanet 140162, MedGen C0027672, MeSH D009386, MONDO:0015356.

Submission:

Ambry Genetics
Classification: Uncertain significance for Hereditary cancer-predisposing syndrome. Last evaluated: 2026-08-20. Review status: criteria provided, single submitter. Criteria: Ambry Variant Classification Scheme 2023. Collection method: clinical testing. Allele origin: germline.
Comment: The p.C377S variant (also known as c.1130G>C), located in coding exon 8 of the BMPR1A gene, results from a G to C substitution at nucleotide position 1130. The cysteine at codon 377 is replaced by serine, an amino acid with dissimilar properties. This amino acid position is highly conserved in available vertebrate species. In addition, this alteration is predicted to be deleterious by in silico analysis. Based on the available evidence, the clinical significance of this variant remains unclear.

NM_004329.3(BMPR1A):c.1130G>C (p.Cys377Ser)

Gene: BMPR1A (bone morphogenetic protein receptor type 1A; plus strand). Cytogenetic location: 10q23.2.
Variant type: single nucleotide variant.
Coding change: c.1130G>C on transcript NM_004329.3 (MANE Select); coding-DNA position 1130, G replaced by C.
Protein change: p.Cys377Ser; replaces cysteine 377 with serine.
Molecular consequence: missense variant. On other transcripts: non-coding transcript variant (3).
Genome position (GRCh38, 1-based): chr10:86,919,433, G>C. VCF-style: chr10-86919433-G-C. GRCh37 (hg19) VCF-style: chr10-88679190-G-C.
Other names: c.1130G>C, p.Cys377Ser (NM_001406571.1, NM_001406572.1, NM_001406573.1 and 19 more transcripts); c.1205G>C, p.Cys402Ser (NM_001406559.1); c.1178G>C, p.Cys393Ser (NM_001406560.1); c.1124G>C, p.Cys375Ser (NM_001406583.1); c.1046G>C, p.Cys349Ser (NM_001406584.1, NM_001406585.1, NM_001406586.1 and 2 more transcripts); c.788G>C, p.Cys263Ser (NM_001406589.1); short protein forms C375S, C377S, C393S, C263S, C349S, C402S.
Identifiers: ClinVar variation 3992021 (VCV003992021.2).